The following is an entry in ClinVar:

ClinVar aggregate classification (germline): Benign. Review status: criteria provided, multiple submitters, no conflicts (2 of 4 stars). 5 submissions from 5 submitters: Benign (4). 1 of the submissions does not count toward it. Last evaluated 2026-02-04.

Conditions:
Glycogen storage disease due to muscle beta-enolase deficiency (GSD13). Also called: ENOLASE 3 DEFICIENCY; ENOLASE-BETA DEFICIENCY; GSD XIII; Glycogen Storage Disease Type XIII. Identifiers: Orphanet 99849, MedGen C2752027, MONDO:0013046, OMIM 612932.

Allele frequency attached by ClinVar (database versions not stated): gnomAD exomes 0.00257 and 0.00691; ExAC 0.00835; gnomAD 0.02545 and 0.02755; 1000 Genomes Project 0.02796; ESP Exome Variant Server 0.02799; TOPMed 0.02832; 1000 Genomes Project 30x 0.03076.
gnomAD v4.1: 7,792 of 1,614,096 alleles (0.48%); highest among the groups gnomAD compares: African/African-American, 8.6%; 279 homozygotes.

Submissions (5):

Labcorp Genetics (formerly Invitae), Labcorp
Classification: Benign for Glycogen storage disease due to muscle beta-enolase deficiency. Last evaluated: 2026-02-04. Review status: criteria provided, single submitter. Criteria: Invitae Variant Classification Sherloc (09022015). Collection method: clinical testing. Allele origin: germline.

ARUP Laboratories, Molecular Genetics and Genomics, ARUP Laboratories
Classification: Benign for Glycogen storage disease due to muscle beta-enolase deficiency. Last evaluated: 2022-09-13. Review status: criteria provided, single submitter. Criteria: ARUP Molecular Germline Variant Investigation Process 2021. Collection method: clinical testing. Allele origin: germline.

GeneDx
Classification: Benign. Last evaluated: 2016-02-17. Review status: criteria provided, single submitter. Criteria: GeneDx Variant Classification (06012015). Collection method: clinical testing. Allele origin: germline. Affected: yes.
Comment: This variant is considered likely benign or benign based on one or more of the following criteria: it is a conservative change, it occurs at a poorly conserved position in the protein, it is predicted to be benign by multiple in silico algorithms, and/or has population frequency not consistent with disease.

Breakthrough Genomics
Classification: Benign. Review status: criteria provided, single submitter. Criteria: ACMG Guidelines, 2015. Collection method: not provided. Allele origin: germline. Inheritance: Autosomal recessive inheritance. Affected: yes.

Mayo Clinic Laboratories, Mayo Clinic
Classification: Benign. Last evaluated: 2016-02-03. Review status: no assertion criteria provided. Collection method: clinical testing. Allele origin: unknown. Not counted in ClinVar's aggregate classification.

NM_053013.4(ENO3):c.240+17G>A

Gene: ENO3 (enolase 3; plus strand). Cytogenetic location: 17p13.2.
Variant type: single nucleotide variant.
Coding change: c.240+17G>A on transcript NM_053013.4 (MANE Select); 17 bases into the intron after coding-DNA position 240, G replaced by A.
Molecular consequence: intron variant.
Genome position (GRCh38, 1-based): chr17:4,953,126, G>A. VCF-style: chr17-4953126-G-A. GRCh37 (hg19) VCF-style: chr17-4856421-G-A.
Other names: c.240+17G>A (NM_001976.5); c.181+236G>A (NM_001193503.2).
Identifiers: ClinVar variation 381414 (VCV000381414.22), dbSNP rs75279666, ClinGen allele CA8316207.
Genomic context (GRCh38, chr17:4,953,126, plus strand): 5'-TGGAGAACATCAACAATACTCTGGGCCCTGCTCTGCTGCAAAAGGCAAGTGGGGAAGCCC[G>A]CTCGCTGCAGCCTCCTCCCCATGCCCCTGCTCCCTCAGCCCAGACAGGCCTCTCCCGAAA-3'